The following is an entry in ClinVar:

ClinVar aggregate classification (germline): Uncertain significance (1 of 4 stars; one submission).

Conditions:
Hajdu-Cheney syndrome (HJCYS). Also called: ACROOSTEOLYSIS WITH OSTEOPOROSIS AND CHANGES IN SKULL AND MANDIBLE; SERPENTINE FIBULA-POLYCYSTIC KIDNEY SYNDROME; Acroosteolysis dominant type. Identifiers: Orphanet 955, MedGen C0917715, MONDO:0007057, OMIM 102500.

gnomAD v4.1: 1 of 1,613,998 alleles (0.000062%); highest among the groups gnomAD compares: Non-Finnish European, 0.000085%; no homozygotes.

Submission:

Labcorp Genetics (formerly Invitae), Labcorp
Classification: Uncertain significance for Hajdu-Cheney syndrome. Last evaluated: 2025-04-09. Review status: criteria provided, single submitter. Criteria: Invitae Variant Classification Sherloc (09022015). Collection method: clinical testing. Allele origin: germline.
Comment: This sequence change replaces isoleucine, which is neutral and non-polar, with valine, which is neutral and non-polar, at codon 1226 of the NOTCH2 protein (p.Ile1226Val). This variant is not present in population databases (gnomAD no frequency). This variant has not been reported in the literature in individuals affected with NOTCH2-related conditions. Invitae Evidence Modeling of protein sequence and biophysical properties (such as structural, functional, and spatial information, amino acid conservation, physicochemical variation, residue mobility, and thermodynamic stability) indicates that this missense variant is not expected to disrupt NOTCH2 protein function with a negative predictive value of 80%. In summary, the available evidence is currently insufficient to determine the role of this variant in disease. Therefore, it has been classified as a Variant of Uncertain Significance.

NM_024408.4(NOTCH2):c.3676A>G (p.Ile1226Val)

Gene: NOTCH2 (notch receptor 2; minus strand). Cytogenetic location: 1p12.
Variant type: single nucleotide variant.
Coding change: c.3676A>G on transcript NM_024408.4 (MANE Select); coding-DNA position 3676, A replaced by G.
Protein change: p.Ile1226Val; replaces isoleucine 1226 with valine.
Molecular consequence: missense variant.
Genome position (GRCh38, 1-based): chr1:119,929,192, T>C on the plus strand (A>G on the coding strand, the complement: NOTCH2 is on the minus strand). VCF-style: chr1-119929192-T-C. GRCh37 (hg19) VCF-style: chr1-120471815-T-C.
Other names: short protein forms I1226V.
Identifiers: ClinVar variation 4799725 (VCV004799725.1).